The following is an entry in ClinVar:

NM_001429.4(EP300):c.4662_4664del (p.Lys1555del)

Gene: EP300 (EP300 lysine acetyltransferase; plus strand). Cytogenetic location: 22q13.2.
Variant type: Deletion.
Coding change: c.4662_4664del on transcript NM_001429.4 (MANE Select); coding-DNA positions 4662 to 4664, 3 bases deleted (GAA; older notation c.4662_4664delGAA).
Protein change: p.Lys1555del; deletes lysine 1555.
Molecular consequence: inframe deletion.
Genome position (GRCh38, 1-based): chr22:41,173,667-41,173,669, GAA deleted; deleting any 3 consecutive bases within chr22:41,173,665-41,173,669 gives the same sequence; the c. name uses the placement nearest the transcript's 3' end. VCF-style (leftmost placement, unchanged base first): chr22-41173664-TAAG-T. GRCh37 (hg19) VCF-style: chr22-41569668-TAAG-T.
Other names: c.4584_4586del, p.Lys1529del (NM_001362843.2); short protein forms K1529del, K1555del.
Identifiers: ClinVar variation 4996138 (VCV004996138.1).

ClinVar aggregate classification (germline): Uncertain significance (1 of 4 stars; one submission).

Conditions:
EP300-related disorder. Also called: EP300-related condition; EP300-related disorders.

Submission:

PreventionGenetics, part of Exact Sciences
Classification: Uncertain significance for EP300-related condition. Last evaluated: 2025-10-01. Review status: criteria provided, single submitter. Criteria: ACMG Guidelines, 2015. Collection method: clinical testing. Allele origin: germline.
Comment: The EP300 c.4662_4664delGAA variant is predicted to result in an in-frame deletion (p.Lys1555del). To our knowledge, this variant has not been reported in the literature or in a large population database (gnomAD), indicating this variant is rare. At this time, the clinical significance of this variant is uncertain due to the absence of conclusive functional and genetic evidence.